The following is an entry in ClinVar:

NM_005664.4(MKRN3):c.103T>G (p.Cys35Gly)

Gene: MKRN3 (makorin ring finger protein 3; plus strand). Cytogenetic location: 15q11.2.
Variant type: single nucleotide variant.
Coding change: c.103T>G on transcript NM_005664.4 (MANE Select); coding-DNA position 103, T replaced by G.
Protein change: p.Cys35Gly; replaces cysteine 35 with glycine.
Molecular consequence: missense variant.
Genome position (GRCh38, 1-based): chr15:23,565,885, T>G. VCF-style: chr15-23565885-T-G. GRCh37 (hg19) VCF-style: chr15-23811032-T-G.
Other names: short protein forms C35G.
Identifiers: ClinVar variation 1030007 (VCV001030007.1), dbSNP rs1889074129, ClinGen allele CA391454223.

ClinVar aggregate classification (germline): Uncertain significance (1 of 4 stars; one submission).

Conditions:
Precocious puberty, central, 2 (CPPB2). Identifiers: Orphanet 759, MedGen C3809199, MONDO:0014137, OMIM 615346.

Submission:

Baylor Genetics
Classification: Uncertain significance for Precocious puberty, central, 2. Last evaluated: 2019-04-19. Review status: criteria provided, single submitter. Criteria: ACMG Guidelines, 2015. Collection method: clinical testing. Allele origin: paternal. Affected: yes.
Comment: This variant was determined to be of uncertain significance according to ACMG Guidelines, 2015 [PMID:25741868].